The following is an entry in ClinVar:

ClinVar aggregate classification (germline): Conflicting classifications of pathogenicity. Review status: criteria provided, conflicting classifications (1 of 4 stars). 2 submissions from 2 submitters: Uncertain significance (1); Likely benign (1). Last evaluated 2026-01-13.

Conditions:
Inborn genetic diseases. Identifiers: MedGen C0950123, MeSH D030342.

Allele frequency attached by ClinVar (database versions not stated): gnomAD exomes below 0.00001; gnomAD 0.00001; TOPMed 0.00002.

Submissions (2):

Ambry Genetics
Classification: Likely benign for Inborn genetic diseases. Last evaluated: 2026-01-13. Review status: criteria provided, single submitter. Criteria: Ambry Variant Classification Scheme 2023. Collection method: clinical testing. Allele origin: germline.

Labcorp Genetics (formerly Invitae), Labcorp
Classification: Uncertain significance. Last evaluated: 2023-10-03. Review status: criteria provided, single submitter. Criteria: Invitae Variant Classification Sherloc (09022015). Collection method: clinical testing. Allele origin: germline.
Comment: This sequence change replaces aspartic acid, which is acidic and polar, with asparagine, which is neutral and polar, at codon 144 of the SZT2 protein (p.Asp144Asn). This variant is not present in population databases (gnomAD no frequency). This variant has not been reported in the literature in individuals affected with SZT2-related conditions. ClinVar contains an entry for this variant (Variation ID: 860493). Advanced modeling of protein sequence and biophysical properties (such as structural, functional, and spatial information, amino acid conservation, physicochemical variation, residue mobility, and thermodynamic stability) performed at Invitae indicates that this missense variant is not expected to disrupt SZT2 protein function. In summary, the available evidence is currently insufficient to determine the role of this variant in disease. Therefore, it has been classified as a Variant of Uncertain Significance.

NM_001365999.1(SZT2):c.430G>A (p.Asp144Asn)

Gene: SZT2 (SZT2 subunit of KICSTOR complex; plus strand). Cytogenetic location: 1p34.2.
Variant type: single nucleotide variant.
Coding change: c.430G>A on transcript NM_001365999.1 (MANE Select); coding-DNA position 430, G replaced by A.
Protein change: p.Asp144Asn; replaces aspartic acid 144 with asparagine.
Molecular consequence: missense variant.
Genome position (GRCh38, 1-based): chr1:43,404,482, G>A. VCF-style: chr1-43404482-G-A. GRCh37 (hg19) VCF-style: chr1-43870153-G-A.
Other names: c.430G>A, p.Asp144Asn (NM_015284.4); short protein forms D144N.
Identifiers: ClinVar variation 860493 (VCV000860493.8), dbSNP rs865796643, ClinGen allele CA21621660.